The following is an entry in ClinVar:

NM_000093.5(COL5A1):c.1937_1946del

Gene: COL5A1 (collagen type V alpha 1 chain; plus strand). Cytogenetic location: 9q34.3.
Variant type: Deletion.
Coding change: c.1937_1946del on transcript NM_000093.5 (MANE Select); coding-DNA positions 1937 to 1946, 10 bases deleted (GTGACCCTGG; older notation c.1937_1946delGTGACCCTGG).
Genome position (GRCh38, 1-based): chr9:134,761,926-134,761,935, GTGACCCTGG deleted; deleting any 10 consecutive bases within chr9:134,761,924-134,761,935 gives the same sequence; the c. name uses the placement nearest the transcript's 3' end. VCF-style (leftmost placement, unchanged base first): chr9-134761923-AGGGTGACCCT-A. GRCh37 (hg19) VCF-style: chr9-137653769-AGGGTGACCCT-A.
Identifiers: ClinVar variation 1356121 (VCV001356121.7), dbSNP rs2132717812, ClinGen allele CA2573144120.

ClinVar aggregate classification (germline): Pathogenic. Review status: criteria provided, multiple submitters, no conflicts (2 of 4 stars). 2 submissions from 2 submitters: Pathogenic (2). Last evaluated 2023-06-14.

Conditions:
Ehlers-Danlos syndrome, classic type, 1 (EDSCL1). Also called: EHLERS-DANLOS SYNDROME, GRAVIS TYPE; EHLERS-DANLOS SYNDROME, SEVERE CLASSIC TYPE; Ehlers-Danlos syndrome, type 1; EDS I; Ehlers-Danlos Syndrome, Classic Type, COL5A1-Related. Identifiers: MedGen C0268335, MONDO:0019567, OMIM 130000.

Submissions (2):

Baylor Genetics
Classification: Pathogenic for Ehlers-Danlos syndrome, classic type, 1. Last evaluated: 2023-06-14. Review status: criteria provided, single submitter. Criteria: ACMG Guidelines, 2015. Collection method: clinical testing. Allele origin: unknown.

Labcorp Genetics (formerly Invitae), Labcorp
Classification: Pathogenic for Ehlers-Danlos syndrome, classic type, 1. Last evaluated: 2020-12-23. Review status: criteria provided, single submitter. Criteria: Invitae Variant Classification Sherloc (09022015). Collection method: clinical testing. Allele origin: germline.
Comment: For these reasons, this variant has been classified as Pathogenic. This variant has not been reported in the literature in individuals with COL5A1-related conditions. This variant is not present in population databases (ExAC no frequency). This sequence change creates a premature translational stop signal (p.Gly646Valfs*155) in the COL5A1 gene. It is expected to result in an absent or disrupted protein product. Loss-of-function variants in COL5A1 are known to be pathogenic (PMID: 23587214).

Literature cited by the submitters: PubMed 23587214 (cited by Labcorp Genetics (formerly Invitae), Labcorp).